The following is an entry in ClinVar:

NM_001267550.2(TTN):c.48460+5G>A

Genes: TTN (titin; minus strand), TTN-AS1 (TTN antisense RNA 1; plus strand). Cytogenetic location: 2q31.2.
Variant type: single nucleotide variant.
Coding change: c.48460+5G>A on transcript NM_001267550.2 (MANE Select); 5 bases into the intron after coding-DNA position 48460, G replaced by A.
Molecular consequence: intron variant.
Genome position (GRCh38, 1-based): chr2:178,615,636, C>T on the plus strand (G>A on the coding strand, the complement: TTN is on the minus strand). VCF-style: chr2-178615636-C-T. GRCh37 (hg19) VCF-style: chr2-179480363-C-T.
Other names: c.48460+5G>A (LRG_391t1); c.21265+5G>A (NM_003319.4); c.21841+5G>A (NM_133437.4); c.21640+5G>A (NM_133432.3); c.40756+5G>A (NM_133378.4); c.43537+5G>A (NM_001256850.1).
Identifiers: ClinVar variation 178208 (VCV000178208.25), dbSNP rs374413644, ClinGen allele CA181784.

ClinVar aggregate classification (germline): Uncertain significance. Review status: criteria provided, multiple submitters, no conflicts (2 of 4 stars). 7 submissions from 7 submitters: Uncertain significance (7). Last evaluated 2026-08-11.

Conditions:
TTN-related disorder. Also called: TTN-related condition; TTN-related disease; TTN-related disorders.
Cardiovascular phenotype. Identifiers: MedGen CN230736.
Dilated cardiomyopathy 1G (CMD1G). Identifiers: Orphanet 154, MedGen C1858763, MONDO:0011400, OMIM 604145.
Autosomal recessive limb-girdle muscular dystrophy type 2J (LGMDR10). Also called: Limb-girdle muscular dystrophy, type 2J; MUSCULAR DYSTROPHY, LIMB-GIRDLE, AUTOSOMAL RECESSIVE 10. Identifiers: Orphanet 140922, MedGen C1837342, MONDO:0012127, OMIM 608807.
Tibial muscular dystrophy (TMD). Also called: Udd Distal Myopathy – Tibial Muscular Dystrophy; UDD MYOPATHY; Tibial muscular dystrophy, tardive. Identifiers: Orphanet 609, MedGen C1838244, MONDO:0010870, OMIM 600334.
Myopathy, myofibrillar, 9, with early respiratory failure (MFM9). Also called: Hereditary myopathy with early respiratory failure; EDSTROM MYOPATHY; MYOPATHY, PROXIMAL, WITH EARLY RESPIRATORY MUSCLE INVOLVEMENT; Myopathy, distal, with early respiratory failure, autosomal dominant. Identifiers: Orphanet 178464, Orphanet 34521, MedGen C1863599, MONDO:0011362, OMIM 603689.
Hypertrophic cardiomyopathy 9. Also called: Familial hypertrophic cardiomyopathy 9. Identifiers: MedGen C1861065, MONDO:0013412, OMIM 613765.
Early-onset myopathy with fatal cardiomyopathy (CMYO5). Also called: CONGENITAL MYOPATHY 5 WITH CARDIOMYOPATHY; Salih Myopathy. Identifiers: Orphanet 289377, MedGen C2673677, MONDO:0012714, OMIM 611705. Disease mechanism: loss of function.
Primary dilated cardiomyopathy (DCM). Also called: Dilated Cardiomyopathy. Identifiers: Orphanet 217604, MedGen C0007193, MeSH D002311, MONDO:0005021, HP:0001644. Inheritance: Various modes of inheritance.

Allele frequency attached by ClinVar (database versions not stated): ExAC 0.00004; gnomAD exomes 0.00004 and 0.00001; ESP Exome Variant Server 0.00008; gnomAD 0.00017 and 0.00020; TOPMed 0.00025.
gnomAD v4.1: 46 of 1,611,980 alleles (0.0029%); highest among the groups gnomAD compares: African/African-American, 0.045%; no homozygotes.

Submissions (7):

PreventionGenetics, part of Exact Sciences
Classification: Uncertain significance for TTN-related condition. Last evaluated: 2026-08-11. Review status: criteria provided, single submitter. Criteria: ACMG Guidelines, 2015. Collection method: clinical testing. Allele origin: germline.
Comment: The TTN c.48460+5G>A variant is predicted to interfere with splicing. This variant has been reported in four individuals who participated in the Jackson Heart Study; however, phenotype information was not provided (Table S3, Roberts et al. 2015. PubMed ID: 25589632). It has also been identified in one individual with dilated cardiomyopathy (Table S9, McGurk et al. 2023. PubMed ID: 37652022). This variant is reported in 0.046% of alleles in individuals of African descent in gnomAD. At this time, the clinical significance of this variant is uncertain due to the absence of conclusive functional and genetic evidence.

GeneDx
Classification: Uncertain significance. Last evaluated: 2026-07-08. Review status: criteria provided, single submitter. Criteria: GeneDx Variant Classification Process June 2021. Collection method: clinical testing. Allele origin: germline.
Comment: Located in the A-band, a region of TTN for which truncating variants are significantly associated with autosomal dominant cardiomyopathy and also with autosomal recessive skeletal myopathies (PMID: 22335739, 32778822); Intronic variant directly or indirectly altering the +5 splice site in a gene for which loss of function is a known mechanism of disease, and splice predictors support a deleterious effect; This variant is associated with the following publications: (PMID: 37652022, 25589632, 22335739, 32778822)

Ambry Genetics
Classification: Uncertain significance for Cardiovascular phenotype. Last evaluated: 2025-07-28. Review status: criteria provided, single submitter. Criteria: Ambry Variant Classification Scheme 2023. Collection method: clinical testing. Allele origin: germline.
Comment: The c.21265+5G>A intronic variant results from a G to A substitution 5 nucleotides after coding exon 85 in the TTN gene. This variant (referred to as c.48460+5G>A) was reported in individual(s) with features consistent with dilated cardiomyopathy (McGurk KA et al. Am J Hum Genet, 2023 Sep;110:1482-1495). This nucleotide position is highly conserved in available vertebrate species. In silico splice site analysis predicts that this alteration will result in the creation or strengthening of a novel splice donor site. Based on the available evidence, the clinical significance of this variant remains unclear.

Labcorp Genetics (formerly Invitae), Labcorp
Classification: Uncertain significance for Dilated cardiomyopathy 1G; Autosomal recessive limb-girdle muscular dystrophy type 2J. Last evaluated: 2024-12-03. Review status: criteria provided, single submitter. Criteria: Invitae Variant Classification Sherloc (09022015). Collection method: clinical testing. Allele origin: germline.
Comment: This sequence change falls in intron 258 of the TTN gene. It does not directly change the encoded amino acid sequence of the TTN protein. It affects a nucleotide within the consensus splice site. This variant is present in population databases (rs374413644, gnomAD 0.05%). This variant has not been observed in the literature in individuals with autosomal recessive TTN-related conditions. This variant has been reported in individual(s) with dilated cardiomyopathy (PMID: 37652022); however, the role of the variant in this condition is currently unclear. ClinVar contains an entry for this variant (Variation ID: 178208). Variants that disrupt the consensus splice site are a relatively common cause of aberrant splicing (PMID: 17576681, 9536098). Algorithms developed to predict the effect of sequence changes on RNA splicing suggest that this variant may disrupt the consensus splice site. This variant is located in the A band of TTN (PMID: 25589632). Variants in this region may be relevant for cardiac or neuromuscular disorders (PMID: 25589632, 23975875). In summary, the available evidence is currently insufficient to determine the role of this variant in disease. Therefore, it has been classified as a Variant of Uncertain Significance.

Fulgent Genetics
Classification: Uncertain significance for Tibial muscular dystrophy; Myopathy, myofibrillar, 9, with early respiratory failure; Dilated cardiomyopathy 1G; Autosomal recessive limb-girdle muscular dystrophy type 2J; Early-onset myopathy with fatal cardiomyopathy; Hypertrophic cardiomyopathy 9. Last evaluated: 2022-04-29. Review status: criteria provided, single submitter. Criteria: ACMG Guidelines, 2015. Collection method: clinical testing. Allele origin: unknown.

Laboratory for Molecular Medicine, Mass General Brigham Personalized Medicine
Classification: Uncertain significance. Last evaluated: 2019-01-18. Review status: criteria provided, single submitter. Criteria: LMM Criteria. Collection method: clinical testing. Allele origin: germline. Observed: 2 variant alleles.
Comment: Variant classified as Uncertain Significance - Favor Benign. It has also been identified in 11/23996 of African chromosomes by the Genome Aggregation Database (gnomAD; dbSNP rs374413644). This variant has also been reported in ClinVar (Variation ID:178208). This variant is located in intron 207 in the 5' splice region. Computational tools suggest an impact to splicing; however, this information is not predictive enough to determine pathogenicity. Splice and other truncating variants in TTN are strongly associated with DCM and the majority occur in exons encoding for the A-band region of the protein (Herman 2012, Pugh 2014), where this variant is located. In summary, while there is some suspicion for a pathogenic role, the clinical significance of the c.40756+5G>A variant is uncertain.

Cardiovascular Biomedical Research Unit, Royal Brompton & Harefield NHS Foundation Trust
Classification: Uncertain significance for Primary dilated cardiomyopathy. Last evaluated: 2014-10-08. Review status: criteria provided, single submitter. Criteria: Roberts et al. 2015. Collection method: research. Allele origin: germline. Inheritance: Autosomal dominant inheritance. Affected: no. Observed: 4 variant alleles. Study: JHS cohort.
Comment: This TTN truncating variant (TTNtv) was identified in four individuals in this cohort and is located in an exon that is highly expressed in the heart. In the seven cohorts assessed, TTNtv were found in 14% of ambulant DCM, 22% end-stage or familial DCM, and 2% controls. Heterozygous nonsense, frameshift and canonical splice-disrupting variants found in constitutive and other highly utilised exons are highly likely to be pathogenic when identified in individuals with phenotypically confirmed DCM. TTNtv found incidentally in healthy individuals (excluding familial assessment of DCM relatives) are thought to have low penetrance, particularly when identified in exons that are not constitutively expressed in the heart.

Literature cited by the submitters: PubMed 25589632 (cited by 3 submitters); PubMed 37652022 (cited by Ambry Genetics and Labcorp Genetics (formerly Invitae), Labcorp); PubMed 17576681 (cited by Labcorp Genetics (formerly Invitae), Labcorp); PubMed 9536098 (cited by Labcorp Genetics (formerly Invitae), Labcorp); PubMed 23975875 (cited by Labcorp Genetics (formerly Invitae), Labcorp).